The following is an entry in ClinVar:

NM_014845.6(FIG4):c.2485C>T (p.His829Tyr)

Gene: FIG4 (FIG4 phosphoinositide 5-phosphatase; plus strand). Cytogenetic location: 6q21.
Variant type: single nucleotide variant.
Coding change: c.2485C>T on transcript NM_014845.6 (MANE Select); coding-DNA position 2485, C replaced by T.
Protein change: p.His829Tyr; replaces histidine 829 with tyrosine.
Molecular consequence: missense variant.
Genome position (GRCh38, 1-based): chr6:109,796,790, C>T. VCF-style: chr6-109796790-C-T. GRCh37 (hg19) VCF-style: chr6-110117993-C-T.
Other names: short protein forms H829Y.
Identifiers: ClinVar variation 861502 (VCV000861502.9), dbSNP rs1778299963, ClinGen allele CA365219889.

ClinVar aggregate classification (germline): Uncertain significance (1 of 4 stars; one submission).

Conditions:
Charcot-Marie-Tooth disease type 4. Also called: Charcot-Marie-Tooth disease, type IV; Charcot-Marie-Tooth, Type 4. Identifiers: Orphanet 64749, MedGen C4082197, MONDO:0018995.

Submission:

Labcorp Genetics (formerly Invitae), Labcorp
Classification: Uncertain significance for Charcot-Marie-Tooth disease type 4. Last evaluated: 2025-01-06. Review status: criteria provided, single submitter. Criteria: Invitae Variant Classification Sherloc (09022015). Collection method: clinical testing. Allele origin: germline.
Comment: This sequence change replaces histidine, which is basic and polar, with tyrosine, which is neutral and polar, at codon 829 of the FIG4 protein (p.His829Tyr). This variant is not present in population databases (gnomAD no frequency). This variant has not been reported in the literature in individuals affected with FIG4-related conditions. ClinVar contains an entry for this variant (Variation ID: 861502). An algorithm developed to predict the effect of missense changes on protein structure and function (PolyPhen-2) suggests that this variant is likely to be tolerated. In summary, the available evidence is currently insufficient to determine the role of this variant in disease. Therefore, it has been classified as a Variant of Uncertain Significance.